The following is an entry in ClinVar:

ClinVar aggregate classification (germline): Uncertain significance. Review status: criteria provided, multiple submitters, no conflicts (2 of 4 stars). 2 submissions from 2 submitters: Uncertain significance (2). Last evaluated 2026-02-04.

Conditions:
Hereditary cancer-predisposing syndrome. Also called: Hereditary neoplastic syndrome; Tumor predisposition; Neoplastic Syndromes, Hereditary; Hereditary Cancer Syndrome. Identifiers: Orphanet 140162, MedGen C0027672, MeSH D009386, MONDO:0015356.

Submissions (2):

Ambry Genetics
Classification: Uncertain significance for Hereditary cancer-predisposing syndrome. Last evaluated: 2026-02-04. Review status: criteria provided, single submitter. Criteria: Ambry Variant Classification Scheme 2023. Collection method: clinical testing. Allele origin: germline.
Comment: The c.2509_2552dup44 variant, located in coding exon 17 of the CTNNA1 gene, results from a duplication of 44 nucleotides at nucleotide position 2509 through nucleotide position 2552, causing a translational frameshift with a predicted alternate stop codon (p.L852Tfs*25). This alteration occurs at the 3' terminus of theCTNNA1 gene, is not expected to trigger nonsense-mediated mRNAdecay, and only impacts the last 3.3% of the protein. Based on the available evidence, the clinical significance of this variant remains unclear.

Labcorp Genetics (formerly Invitae), Labcorp
Classification: Uncertain significance. Last evaluated: 2025-09-22. Review status: criteria provided, single submitter. Criteria: Invitae Variant Classification Sherloc (09022015). Collection method: clinical testing. Allele origin: germline.
Comment: This sequence change creates a premature translational stop signal (p.Leu852Thrfs*25) in the CTNNA1 gene. While this is not anticipated to result in nonsense mediated decay, it is expected to disrupt the last 55 amino acid(s) of the CTNNA1 protein. This variant is not present in population databases (gnomAD no frequency). This variant has not been reported in the literature in individuals affected with CTNNA1-related conditions. ClinVar contains an entry for this variant (Variation ID: 1395665). Experimental studies and prediction algorithms are not available or were not evaluated, and the functional significance of this variant is currently unknown. In summary, the available evidence is currently insufficient to determine the role of this variant in disease. Therefore, it has been classified as a Variant of Uncertain Significance.

NM_001903.5(CTNNA1):c.2509_2552dup (p.Leu852fs)

Gene: CTNNA1 (catenin alpha 1; plus strand). Cytogenetic location: 5q31.2.
Variant type: Duplication.
Coding change: c.2509_2552dup on transcript NM_001903.5 (MANE Select); coding-DNA positions 2509 to 2552, 44 bases duplicated.
Protein change: p.Leu852fs; shifts the reading frame from leucine 852.
Molecular consequence: frameshift variant. On other transcripts: 3 prime UTR variant (5).
Genome position (GRCh38, 1-based): chr5:138,933,877-138,933,920, 44 bases duplicated; duplicating any 44 consecutive bases within chr5:138,933,876-138,933,920 gives the same sequence; the c. name uses the placement nearest the transcript's 3' end. GRCh37 (hg19): chr5:138,269,566-138,269,609.
Other names: c.1399_1442dup, p.Leu482fs (NM_001323993.1, NM_001323994.1, NM_001323995.1 and 12 more transcripts); c.2509_2552dupTACGTCGCCTCTACCAAATACCAAAAGTCACAGGGTATGGCTTC (NM_001903.2); c.*54_*97dup (NM_001290307.3, NM_001324002.1, NM_001324003.1 and 2 more transcripts); c.2200_2243dup, p.Leu749fs (NM_001290309.3); c.2140_2183dup, p.Leu729fs (NM_001290310.3); c.2509_2552dup, p.Leu852fs (NM_001323982.2, NM_001323983.1, NM_001323984.2); c.2482_2525dup, p.Leu843fs (NM_001323985.2); c.2416_2459dup, p.Leu821fs (NM_001323986.2); and 4 more; short protein forms L437fs, L451fs, L482fs, L729fs, L821fs, L369fs, L401fs, L852fs.
Identifiers: ClinVar variation 1395665 (VCV001395665.8), dbSNP rs2150358763, ClinGen allele CA2573139169.